The following is an entry in ClinVar:

ClinVar aggregate classification (germline): Pathogenic. Review status: criteria provided, multiple submitters, no conflicts (2 of 4 stars). 3 submissions from 3 submitters: Pathogenic (2). 1 of the submissions does not count toward it. Last evaluated 2025-07-25.

Conditions:
Cardiovascular phenotype. Identifiers: MedGen CN230736.
Familial long QT syndrome (RWS). Also called: Congenital long QT syndrome; Romano-Ward syndrome; VENTRICULAR FIBRILLATION WITH PROLONGED QT INTERVAL. Identifiers: Orphanet 768, MedGen C1141890, MONDO:0019171.
Long QT syndrome (LQTS). Identifiers: MedGen C0023976, MeSH D008133, MONDO:0002442. Disease mechanism: loss of function. Inheritance: Various modes of inheritance.

Submissions (3):

Molecular Diagnostic Laboratory for Inherited Cardiovascular Disease, Montreal Heart Institute
Classification: Pathogenic for Cardiovascular phenotype. Last evaluated: 2025-07-25. Review status: criteria provided, single submitter. Criteria: ACMG Guidelines, 2015. Collection method: clinical testing. Allele origin: germline. Affected: yes.
Comment: PM1_strong, PP1_strong, PS4_mod, PM2, PS3_supp, PM5_supp, PP2, PP3

Labcorp Genetics (formerly Invitae), Labcorp
Classification: Pathogenic for Long QT syndrome. Last evaluated: 2024-06-19. Review status: criteria provided, single submitter. Criteria: Invitae Variant Classification Sherloc (09022015). Collection method: clinical testing. Allele origin: germline.
Comment: This sequence change replaces glycine, which is neutral and non-polar, with glutamic acid, which is acidic and polar, at codon 316 of the KCNQ1 protein (p.Gly316Glu). This variant is not present in population databases (gnomAD no frequency). This missense change has been observed in individuals with long QT syndrome (PMID: 16414944, 19808498, 20981542, 34505893). It has also been observed to segregate with disease in related individuals. ClinVar contains an entry for this variant (Variation ID: 53144). Advanced modeling of protein sequence and biophysical properties (such as structural, functional, and spatial information, amino acid conservation, physicochemical variation, residue mobility, and thermodynamic stability) performed at Invitae indicates that this missense variant is expected to disrupt KCNQ1 protein function with a positive predictive value of 95%. Experimental studies have shown that this missense change affects KCNQ1 function (PMID: 19808498). For these reasons, this variant has been classified as Pathogenic.

Cardiovascular Biomedical Research Unit, Royal Brompton & Harefield NHS Foundation Trust
No classification provided. Condition: Familial long QT syndrome. Review status: no classification provided. Collection method: literature only. Allele origin: germline. Not counted in ClinVar's aggregate classification.
Comment: This variant has been reported as associated with Long QT syndrome in the following publications (PMID:16414944;PMID:16922724;PMID:17905336;PMID:19808498). This is a literature report, and does not necessarily reflect the clinical interpretation of the Imperial College / Royal Brompton Cardiovascular Genetics laboratory.

Literature cited by the submitters: PubMed 16414944 (cited by Labcorp Genetics (formerly Invitae), Labcorp and Cardiovascular Biomedical Research Unit, Royal Brompton & Harefield NHS Foundation Trust); PubMed 19808498 (cited by Labcorp Genetics (formerly Invitae), Labcorp and Cardiovascular Biomedical Research Unit, Royal Brompton & Harefield NHS Foundation Trust); PubMed 20981542 (cited by Labcorp Genetics (formerly Invitae), Labcorp); PubMed 34505893 (cited by Labcorp Genetics (formerly Invitae), Labcorp); PubMed 16922724 (cited by Cardiovascular Biomedical Research Unit, Royal Brompton & Harefield NHS Foundation Trust); PubMed 17905336 (cited by Cardiovascular Biomedical Research Unit, Royal Brompton & Harefield NHS Foundation Trust); PubMed 22581653 (cited by Cardiovascular Biomedical Research Unit, Royal Brompton & Harefield NHS Foundation Trust).

NM_000218.3(KCNQ1):c.947G>A (p.Gly316Glu)

Gene: KCNQ1 (potassium voltage-gated channel subfamily Q member 1; plus strand). Cytogenetic location: 11p15.5.
Variant type: single nucleotide variant.
Coding change: c.947G>A on transcript NM_000218.3 (MANE Select); coding-DNA position 947, G replaced by A.
Protein change: p.Gly316Glu; replaces glycine 316 with glutamic acid.
Molecular consequence: missense variant.
Genome position (GRCh38, 1-based): chr11:2,583,460, G>A. VCF-style: chr11-2583460-G-A. GRCh37 (hg19) VCF-style: chr11-2604690-G-A.
Other names: c.947G>A (LRG_287t1); c.947G>A, p.Gly316Glu (NM_001406836.1); c.677G>A, p.Gly226Glu (NM_001406837.1); c.503G>A, p.Gly168Glu (NM_001406838.1); c.566G>A, p.Gly189Glu (NM_181798.2); short protein forms G316E, G189E, G168E, G226E.
Identifiers: ClinVar variation 53144 (VCV000053144.6), dbSNP rs199472749, ClinGen allele CA008848.